The following is an entry in ClinVar:

ClinVar aggregate classification (germline): Uncertain significance (1 of 4 stars; one submission).

Conditions:
Hereditary spastic paraplegia 5A (SPG5A). Also called: SPASTIC PARAPLEGIA 5A, AUTOSOMAL RECESSIVE. Identifiers: Orphanet 100986, MedGen C1849115, MONDO:0010047, OMIM 270800.

Submission:

3billion
Classification: Uncertain significance for Hereditary spastic paraplegia 5A. Last evaluated: 2025-07-19. Review status: criteria provided, single submitter. Criteria: ACMG Guidelines, 2015. Collection method: clinical testing. Allele origin: germline. Affected: yes.
Comment: The variant is not observed in the gnomAD v4.1.0 dataset. Predicted Consequence/Location: Missense variant. The majority of the known disease-causing variants of this gene are variants expected to result in premature termination of the protein. In silico tool predictions suggest damaging effect of the variant on gene or gene product [REVEL: 0.69 (>=0.6, sensitivity 0.68 and specificity 0.92)]. Different missense changes at the same codon (p.Arg370Cys, p.Arg370Gly, p.Arg370His) have been reported to be associated with CYP7B1-related disorder (ClinVar ID: VCV003595818 /PMID: 29126212, 29980238, 30564185). However the evidence of pathogenicity is insufficient at this time. Therefore, this variant is classified as VUS according to the recommendation of ACMG/AMP guideline.

Literature cited by the submitters: PubMed 29126212.

NM_004820.5(CYP7B1):c.1109G>T (p.Arg370Leu)

Gene: CYP7B1 (cytochrome P450 family 7 subfamily B member 1; minus strand). Cytogenetic location: 8q12.3.
Variant type: single nucleotide variant.
Coding change: c.1109G>T on transcript NM_004820.5 (MANE Select); coding-DNA position 1109, G replaced by T.
Protein change: p.Arg370Leu; replaces arginine 370 with leucine.
Molecular consequence: missense variant.
Genome position (GRCh38, 1-based): chr8:64,604,806, C>A on the plus strand (G>T on the coding strand, the complement: CYP7B1 is on the minus strand). VCF-style: chr8-64604806-C-A. GRCh37 (hg19) VCF-style: chr8-65517363-C-A.
Other names: c.1109G>T, p.Arg370Leu (NM_001324112.2); short protein forms R370L.
Identifiers: ClinVar variation 4855803 (VCV004855803.1).